The following is an entry in ClinVar:

ClinVar aggregate classification (germline): Uncertain significance (1 of 4 stars; one submission).

Submission:

Labcorp Genetics (formerly Invitae), Labcorp
Classification: Uncertain significance. Last evaluated: 2024-07-01. Review status: criteria provided, single submitter. Criteria: Invitae Variant Classification Sherloc (09022015). Collection method: clinical testing. Allele origin: germline.
Comment: This variant, c.517_537dup, results in the insertion of 7 amino acid(s) of the GIPC3 protein (p.Val173_Glu179dup), but otherwise preserves the integrity of the reading frame. This variant is not present in population databases (gnomAD no frequency). This variant has not been reported in the literature in individuals affected with GIPC3-related conditions. In summary, the available evidence is currently insufficient to determine the role of this variant in disease. Therefore, it has been classified as a Variant of Uncertain Significance.

NM_133261.3(GIPC3):c.517_537dup (p.Glu179_Leu180insValAlaLysMetLeuArgGlu)

Gene: GIPC3 (GIPC PDZ domain containing family member 3; plus strand). Cytogenetic location: 19p13.3.
Variant type: Duplication.
Coding change: c.517_537dup on transcript NM_133261.3 (MANE Select); coding-DNA positions 517 to 537, 21 bases duplicated (GTGGCCAAGATGCTCCGGGAG).
Protein change: p.Glu179_Leu180insValAlaLysMetLeuArgGlu.
Genome position (GRCh38, 1-based): chr19:3,586,919-3,586,939, GTGGCCAAGATGCTCCGGGAG duplicated; duplicating any 21 consecutive bases within chr19:3,586,916-3,586,939 gives the same sequence; the c. name uses the placement nearest the transcript's 3' end. VCF-style (leftmost placement, unchanged base first): chr19-3586915-C-CGAGGTGGCCAAGATGCTCCGG. GRCh37 (hg19) VCF-style: chr19-3586913-C-CGAGGTGGCCAAGATGCTCCGG.
Other names: c.517_537dup, p.Glu179_Leu180insValAlaLysMetLeuArgGlu (NM_001411144.1).
Identifiers: ClinVar variation 3687701 (VCV003687701.2).